The following is an entry in ClinVar:

ClinVar aggregate classification (germline): Uncertain significance (1 of 4 stars; one submission).

Submission:

Dasa
Classification: Uncertain significance. Last evaluated: 2025-10-17. Review status: criteria provided, single submitter. Criteria: DASA Assertion Criteria. Collection method: clinical testing. Allele origin: germline.
Comment: NM_182914.3(SYNE2):c.9950T>C (p.Leu3317Pro) is a missense variant that results in the substitution of leucine with proline. This variant is absent from population databases. The currently available literature and clinical evidence are not sufficient to establish a definitive association between this variant and the reported condition. Therefore, this variant is classified as a variant of uncertain significance.

NM_182914.3(SYNE2):c.9950T>C (p.Leu3317Pro)

Gene: SYNE2 (spectrin repeat containing nuclear envelope protein 2; plus strand). Cytogenetic location: 14q23.2.
Variant type: single nucleotide variant.
Coding change: c.9950T>C on transcript NM_182914.3 (MANE Select); coding-DNA position 9950, T replaced by C.
Protein change: p.Leu3317Pro; replaces leucine 3317 with proline.
Molecular consequence: missense variant.
Genome position (GRCh38, 1-based): chr14:64,056,149, T>C. VCF-style: chr14-64056149-T-C. GRCh37 (hg19) VCF-style: chr14-64522867-T-C.
Other names: c.9950T>C, p.Leu3317Pro (NM_015180.6); short protein forms L3317P.
Identifiers: ClinVar variation 5020827 (VCV005020827.1).
Genomic context (GRCh38, chr14:64,056,149, plus strand): 5'-TTCGAAAACAAGAGGAATTGGAATCCACAGTAGCACACATCCAGGACCTCACTGAGAAAC[T>C]GGGAATGATATCCAGCCCCGAAGCCAAACTACAACTTCAGTATACTTTACAGGAACTAGT-3'
Protein context (NP_878918.2, residues 3307-3327): VAHIQDLTEK[Leu3317Pro]GMISSPEAKL